The following is an entry in ClinVar:

ClinVar aggregate classification (germline): Uncertain significance (1 of 4 stars; one submission).

Allele frequency attached by ClinVar (database versions not stated): ExAC 0.00002; gnomAD 0.00003; 1000 Genomes Project 30x 0.00016; 1000 Genomes Project 0.00020.
gnomAD v4.1: 19 of 1,609,310 alleles (0.0012%); highest among the groups gnomAD compares: Admixed American, 0.0051%; no homozygotes.

Submission:

Labcorp Genetics (formerly Invitae), Labcorp
Classification: Uncertain significance. Last evaluated: 2023-12-19. Review status: criteria provided, single submitter. Criteria: Invitae Variant Classification Sherloc (09022015). Collection method: clinical testing. Allele origin: germline.
Comment: This sequence change replaces proline, which is neutral and non-polar, with leucine, which is neutral and non-polar, at codon 915 of the TRPC3 protein (p.Pro915Leu). This variant is present in population databases (rs199588234, gnomAD 0.006%). This variant has not been reported in the literature in individuals affected with TRPC3-related conditions. An algorithm developed to predict the effect of missense changes on protein structure and function (PolyPhen-2) suggests that this variant is likely to be tolerated. In summary, the available evidence is currently insufficient to determine the role of this variant in disease. Therefore, it has been classified as a Variant of Uncertain Significance.

NM_001130698.2(TRPC3):c.2744C>T (p.Pro915Leu)

Gene: TRPC3 (transient receptor potential cation channel subfamily C member 3; minus strand). Cytogenetic location: 4q27.
Variant type: single nucleotide variant.
Coding change: c.2744C>T on transcript NM_001130698.2 (MANE Select); coding-DNA position 2744, C replaced by T.
Protein change: p.Pro915Leu; replaces proline 915 with leucine.
Molecular consequence: missense variant.
Genome position (GRCh38, 1-based): chr4:121,879,758, G>A on the plus strand (C>T on the coding strand, the complement: TRPC3 is on the minus strand). VCF-style: chr4-121879758-G-A. GRCh37 (hg19) VCF-style: chr4-122800913-G-A.
Other names: c.2660C>T, p.Pro887Leu (NM_001366479.2); c.2525C>T, p.Pro842Leu (NM_003305.2); short protein forms P887L, P842L, P915L.
Identifiers: ClinVar variation 2892441 (VCV002892441.3), dbSNP rs199588234, ClinGen allele CA3064664.
Genomic context (GRCh38, chr4:121,879,758, plus strand): 5'-ATTTGTGCTATAGTCAAAGCCAAATCCAGGTTGCTGCATCATTCACATCTCAGCATGCTG[G>A]GATTCAGTTTCTCACTAAGTTTATGAATTAGAATGGCTAATTCCTCAGTTGCTTGGCTCT-3'
Protein context (NP_001124170.1, residues 905-921): LIHKLSEKLN[Pro915Leu]SMLRCE